The following is an entry in ClinVar:

ClinVar aggregate classification (germline): Likely benign (0 of 4 stars; one submission).

Conditions:
ACTN4-related disorder. Also called: ACTN4-related condition.

gnomAD v4.1: 7 of 1,614,092 alleles (0.00043%); highest among the groups gnomAD compares: African/African-American, 0.0013%; no homozygotes.

Submission:

PreventionGenetics, part of Exact Sciences
Classification: Likely benign for ACTN4-related condition. Last evaluated: 2024-06-16. Review status: no assertion criteria provided. Collection method: clinical testing. Allele origin: germline.
Comment: This variant is classified as likely benign based on ACMG/AMP sequence variant interpretation guidelines (Richards et al. 2015 PMID: 25741868, with internal and published modifications).

NM_004924.6(ACTN4):c.747G>A (p.Thr249=)

Gene: ACTN4 (actinin alpha 4; plus strand). Cytogenetic location: 19q13.2.
Variant type: single nucleotide variant.
Coding change: c.747G>A on transcript NM_004924.6 (MANE Select); coding-DNA position 747, G replaced by A.
Protein change: p.Thr249=; no amino-acid change (threonine 249 retained).
Molecular consequence: synonymous variant. On other transcripts: intron variant (2).
Genome position (GRCh38, 1-based): chr19:38,710,270, G>A. VCF-style: chr19-38710270-G-A. GRCh37 (hg19) VCF-style: chr19-39200910-G-A.
Other names: c.733+794G>A (NM_001411143.1, NM_001322033.2).
Identifiers: ClinVar variation 3356702 (VCV003356702.1).